The following is an entry in ClinVar:

ClinVar aggregate classification (germline): Uncertain significance. Review status: criteria provided, multiple submitters, no conflicts (2 of 4 stars). 2 submissions from 2 submitters: Uncertain significance (2). Last evaluated 2023-05-10.

Conditions:
Hereditary cancer-predisposing syndrome. Also called: Tumor predisposition; Neoplastic Syndromes, Hereditary; Hereditary Cancer Syndrome; Hereditary neoplastic syndrome. Identifiers: Orphanet 140162, MedGen C0027672, MeSH D009386, MONDO:0015356.

Submissions (2):

Ambry Genetics
Classification: Uncertain significance for Hereditary cancer-predisposing syndrome. Last evaluated: 2023-05-10. Review status: criteria provided, single submitter. Criteria: Ambry Variant Classification Scheme 2023. Collection method: clinical testing. Allele origin: germline.
Comment: The p.M18L variant (also known as c.52A>T), located in coding exon 1 of the APC gene, results from an A to T substitution at nucleotide position 52. The methionine at codon 18 is replaced by leucine, an amino acid with highly similar properties. This amino acid position is highly conserved in available vertebrate species. In addition, in silico predictors for this gene do not accurately predict pathogenicity. Since supporting evidence is limited at this time, the clinical significance of this alteration remains unclear.

Blueprint Genetics
Classification: Uncertain significance. Last evaluated: 2021-07-29. Review status: criteria provided, single submitter. Criteria: ACMG Guidelines, 2015. Collection method: clinical testing. Allele origin: germline.

NM_000038.6(APC):c.52A>T (p.Met18Leu)

Gene: APC (APC regulator of Wnt signaling pathway; plus strand). Cytogenetic location: 5q22.2.
Variant type: single nucleotide variant.
Coding change: c.52A>T on transcript NM_000038.6 (MANE Select); coding-DNA position 52, A replaced by T.
Protein change: p.Met18Leu; replaces methionine 18 with leucine.
Molecular consequence: missense variant. On other transcripts: 5 prime UTR variant (4), non-coding transcript variant (2), intron variant (11).
Genome position (GRCh38, 1-based): chr5:112,754,942, A>T. VCF-style: chr5-112754942-A-T. GRCh37 (hg19) VCF-style: chr5-112090639-A-T.
Other names: c.52A>T, p.Met18Leu (NM_001127510.3, NM_001354895.2, NM_001354896.2 and 16 more transcripts); c.-984A>T (NM_001354906.2, NM_001407470.1, NM_001407471.1 and 1 more transcripts); c.166-11384A>T (NM_001407446.1, NM_001354897.2, NM_001354902.2 and 1 more transcripts); c.-42-11384A>T (NM_001407453.1, NM_001354900.2, NM_001354901.2 and 1 more transcripts); c.61-11384A>T (NM_001407451.1, NM_001354898.2, NM_001354904.2); short protein forms M18L.
Identifiers: ClinVar variation 2566992 (VCV002566992.3), dbSNP rs587782402, ClinGen allele CA16021453.
Genomic context (GRCh38, chr5:112,754,942, plus strand): 5'-TAGCCAAGGATGGCTGCAGCTTCATATGATCAGTTGTTAAAGCAAGTTGAGGCACTGAAG[A>T]TGGAGAACTCAAATCTTCGACAAGAGCTAGAAGATAATTCCAATCATCTTACAAAACTGG-3'
Protein context (NP_000029.2, residues 8-28): QLLKQVEALK[Met18Leu]ENSNLRQELE